The following is an entry in ClinVar:

NM_001319074.4(RAX2):c.500G>A (p.Arg167Gln)

Gene: RAX2 (retina and anterior neural fold homeobox 2; minus strand). Cytogenetic location: 19p13.3.
Variant type: single nucleotide variant.
Coding change: c.500G>A on transcript NM_001319074.4 (MANE Select); coding-DNA position 500, G replaced by A.
Protein change: p.Arg167Gln; replaces arginine 167 with glutamine.
Molecular consequence: missense variant.
Genome position (GRCh38, 1-based): chr19:3,770,676, C>T on the plus strand (G>A on the coding strand, the complement: RAX2 is on the minus strand). VCF-style: chr19-3770676-C-T. GRCh37 (hg19) VCF-style: chr19-3770674-C-T.
Other names: c.500G>A, p.Arg167Gln (NM_032753.4); short protein forms R167Q.
Identifiers: ClinVar variation 623919 (VCV000623919.51), dbSNP rs202103390, ClinGen allele CA9085029.
Genomic context (GRCh38, chr19:3,770,676, plus strand): 5'-CAGGCTCAGGCTGGCGGCCAGGCCCTGTCCAGAGCCTGTGCATGTTCCTTGGCCAGCAGC[C>T]GCAGGGACGCCTCCTCCAGGGCGAAGCCATCTGCGAAGGTGGGAGCAAAGGCATGAGGCC-3'
Protein context (NP_001306003.2, residues 157-177): DGFALEEASL[Arg167Gln]LLAKEHAQAL

ClinVar aggregate classification (germline): Conflicting classifications of pathogenicity. Review status: criteria provided, conflicting classifications (1 of 4 stars). 3 submissions from 3 submitters: Uncertain significance (2); Likely benign (1). Last evaluated 2025-04-22.

Allele frequency attached by ClinVar (database versions not stated): gnomAD 0.00003; gnomAD exomes 0.00004 and 0.00006; TOPMed 0.00006; ExAC 0.00009.
gnomAD v4.1: 90 of 1,535,436 alleles (0.0059%); highest among the groups gnomAD compares: Non-Finnish European, 0.007%; no homozygotes.

Submissions (3):

Labcorp Genetics (formerly Invitae), Labcorp
Classification: Uncertain significance. Last evaluated: 2025-04-22. Review status: criteria provided, single submitter. Criteria: Invitae Variant Classification Sherloc (09022015). Collection method: clinical testing. Allele origin: germline.
Comment: This sequence change replaces arginine, which is basic and polar, with glutamine, which is neutral and polar, at codon 167 of the RAX2 protein (p.Arg167Gln). This variant is present in population databases (rs202103390, gnomAD 0.02%). This variant has not been reported in the literature in individuals affected with RAX2-related conditions. ClinVar contains an entry for this variant (Variation ID: 623919). An algorithm developed to predict the effect of missense changes on protein structure and function outputs the following: PolyPhen-2: "Possibly Damaging". The glutamine amino acid residue is found in multiple mammalian species, which suggests that this missense change does not adversely affect protein function. In summary, the available evidence is currently insufficient to determine the role of this variant in disease. Therefore, it has been classified as a Variant of Uncertain Significance.

Blueprint Genetics
Classification: Uncertain significance. Last evaluated: 2024-10-01. Review status: criteria provided, single submitter. Criteria: ACMG Guidelines, 2015. Collection method: clinical testing. Allele origin: germline.

CeGaT Center for Human Genetics Tuebingen
Classification: Likely benign. Last evaluated: 2019-02-01. Review status: criteria provided, single submitter. Criteria: CeGaT Center For Human Genetics Tuebingen Variant Classification Criteria Version 2. Collection method: clinical testing. Allele origin: germline. Affected: yes. Observed: 2 variant alleles.